The following is an entry in ClinVar:

ClinVar aggregate classification (germline): Conflicting classifications of pathogenicity. Review status: criteria provided, conflicting classifications (1 of 4 stars). 4 submissions from 4 submitters: Uncertain significance (3); Likely benign (1). Last evaluated 2025-02-02.

Conditions:
3-methylglutaconic aciduria, type VIIB (MGCA7B). Also called: CLPB Deficiency; 3-methylglutaconic aciduria, type VII, with cataracts, neurologic involvement and neutropenia; 3-methylglutaconic aciduria with cataracts, neurologic involvement and neutropenia. Identifiers: Orphanet 445038, MedGen C5676893, MONDO:0014561, OMIM 616271.
Inborn genetic diseases. Identifiers: MedGen C0950123, MeSH D030342.

Allele frequency attached by ClinVar (database versions not stated): ESP Exome Variant Server 0.00023; 1000 Genomes Project 30x 0.00031.
gnomAD v4.1: 75 of 1,612,308 alleles (0.0047%); highest among the groups gnomAD compares: African/African-American, 0.096%; no homozygotes.

Submissions (4):

Labcorp Genetics (formerly Invitae), Labcorp
Classification: Likely benign for 3-methylglutaconic aciduria, type VIIB. Last evaluated: 2025-02-02. Review status: criteria provided, single submitter. Criteria: Invitae Variant Classification Sherloc (09022015). Collection method: clinical testing. Allele origin: germline.

Ambry Genetics
Classification: Uncertain significance for Inborn genetic diseases. Last evaluated: 2024-11-09. Review status: criteria provided, single submitter. Criteria: Ambry Variant Classification Scheme 2023. Collection method: clinical testing. Allele origin: germline.

GeneDx
Classification: Uncertain significance. Last evaluated: 2024-02-27. Review status: criteria provided, single submitter. Criteria: GeneDx Variant Classification Process June 2021. Collection method: clinical testing. Allele origin: germline. Affected: yes.
Comment: Has not been previously published as pathogenic or benign to our knowledge; In silico analysis supports that this missense variant has a deleterious effect on protein structure/function

Institute of Human Genetics, University Hospital of Duesseldorf
Classification: Uncertain significance for 3-methylglutaconic aciduria, type VIIB. Review status: criteria provided, single submitter. Criteria: ACMG Guidelines, 2015. Collection method: not provided. Allele origin: germline. Inheritance: Autosomal unknown. Affected: yes.

NM_001258392.3(CLPB):c.1795C>A (p.Arg599Ser)

Gene: CLPB (ClpB family mitochondrial disaggregase; minus strand). Cytogenetic location: 11q13.4.
Variant type: single nucleotide variant.
Coding change: c.1795C>A on transcript NM_001258392.3 (MANE Select); coding-DNA position 1795, C replaced by A.
Protein change: p.Arg599Ser; replaces arginine 599 with serine.
Molecular consequence: missense variant.
Genome position (GRCh38, 1-based): chr11:72,293,606, G>T on the plus strand (C>A on the coding strand, the complement: CLPB is on the minus strand). VCF-style: chr11-72293606-G-T. GRCh37 (hg19) VCF-style: chr11-72004650-G-T.
Other names: c.1885C>A (NM_030813.5); c.1708C>A, p.Arg570Ser (NM_001258393.3); c.1750C>A, p.Arg584Ser (NM_001258394.3); c.1885C>A, p.Arg629Ser (NM_030813.6); short protein forms R629S, R570S, R599S, R584S.
Identifiers: ClinVar variation 2045467 (VCV002045467.8), dbSNP rs369227883, ClinGen allele CA6171022.